The following is an entry in ClinVar:

ClinVar aggregate classification (germline): Pathogenic (1 of 4 stars; one submission).

Conditions:
Methylmalonic aciduria, cblB type (MACB). Also called: Vitamin B12-responsive methylmalonic acidemia type cblB; Methylmalonic acidemia cblB type; METHYLMALONIC ACIDURIA, VITAMIN B12-RESPONSIVE, DUE TO DEFECT IN SYNTHESIS OF ADENOSYLCOBALAMIN, cblB TYPE. Identifiers: Orphanet 28, Orphanet 79311, MedGen C1855102, MONDO:0009614, OMIM 251110.

Submission:

Labcorp Genetics (formerly Invitae), Labcorp
Classification: Pathogenic for Methylmalonic aciduria, cblB type. Last evaluated: 2020-12-17. Review status: criteria provided, single submitter. Criteria: Invitae Variant Classification Sherloc (09022015). Collection method: clinical testing. Allele origin: germline.
Comment: For these reasons, this variant has been classified as Pathogenic. This variant has not been reported in the literature in individuals with MMAB-related conditions. This variant is not present in population databases (ExAC no frequency). This sequence change creates a premature translational stop signal (p.Glu154*) in the MMAB gene. It is expected to result in an absent or disrupted protein product. Loss-of-function variants in MMAB are known to be pathogenic (PMID: 15781192, 16410054).

Literature cited by the submitters: PubMed 15781192; PubMed 16410054.

NM_052845.4(MMAB):c.460G>T (p.Glu154Ter)

Gene: MMAB (metabolism of cobalamin associated B; minus strand). Cytogenetic location: 12q24.11.
Variant type: single nucleotide variant.
Coding change: c.460G>T on transcript NM_052845.4 (MANE Select); coding-DNA position 460, G replaced by T.
Protein change: p.Glu154Ter; replaces glutamic acid 154 with a stop codon.
Molecular consequence: nonsense. On other transcripts: non-coding transcript variant (1).
Genome position (GRCh38, 1-based): chr12:109,561,479, C>A on the plus strand (G>T on the coding strand, the complement: MMAB is on the minus strand). VCF-style: chr12-109561479-C-A. GRCh37 (hg19) VCF-style: chr12-109999284-C-A.
Other names: short protein forms E154*.
Identifiers: ClinVar variation 1453900 (VCV001453900.6), dbSNP rs2136199292, ClinGen allele CA386637445.